The following is an entry in ClinVar:

NM_003119.4(SPG7):c.58C>T (p.Arg20Trp)

Genes: SPG7 (SPG7 matrix AAA peptidase subunit, paraplegin; plus strand), LOC130059818 (ATAC-STARR-seq lymphoblastoid silent region 7911; plus strand). Cytogenetic location: 16q24.3.
Variant type: single nucleotide variant.
Coding change: c.58C>T on transcript NM_003119.4 (MANE Select); coding-DNA position 58, C replaced by T.
Protein change: p.Arg20Trp; replaces arginine 20 with tryptophan.
Molecular consequence: missense variant.
Genome position (GRCh38, 1-based): chr16:89,508,475, C>T. VCF-style: chr16-89508475-C-T. GRCh37 (hg19) VCF-style: chr16-89574883-C-T.
Other names: p.R20W:CGG>TGG; c.58C>T, p.Arg20Trp (NM_001363850.1, NM_199367.3); short protein forms R20W.
Identifiers: ClinVar variation 215220 (VCV000215220.2), dbSNP rs863224222, ClinGen allele CA321596.

ClinVar aggregate classification (germline): Uncertain significance (1 of 4 stars; one submission).

Allele frequency attached by ClinVar (database versions not stated): gnomAD exomes below 0.00001.
gnomAD v4.1: 2 of 1,509,172 alleles (0.00013%); highest among the groups gnomAD compares: East Asian, 0.0027%; no homozygotes.

Submission:

GeneDx
Classification: Uncertain significance. Last evaluated: 2016-09-14. Review status: criteria provided, single submitter. Criteria: GeneDx Variant Classification (06012015). Collection method: clinical testing. Allele origin: germline. Affected: yes.
Comment: p.Arg20Trp (CGG>TGG): c.58 C>T in exon 1 of the SPG7 gene (NM_003119.2) A variant of unknown significance has been identified in the SPG7 gene. The R20W variant has not been published as a mutation, nor has it been reported as a benign polymorphism to our knowledge. The R20W variant is a non-conservative amino acid substitution, which is likely to impact secondary protein structure as these residues differ in polarity, charge, size and/or other properties. This substitution occurs at a position that is not conserved across species. In silico analysis predicts this variant likely does not alter the protein structure/function. Therefore, based on the currently available information, it is unclear whether this variant is a pathogenic mutation or a rare benign variant. The variant is found in MITONUC-MITOP panel(s).